The following is an entry in ClinVar:

NM_003334.4(UBA1):c.3173G>A (p.Arg1058His)

Gene: UBA1 (ubiquitin like modifier activating enzyme 1; plus strand). Cytogenetic location: Xp11.3.
Variant type: single nucleotide variant.
Coding change: c.3173G>A on transcript NM_003334.4 (MANE Select); coding-DNA position 3173, G replaced by A.
Protein change: p.Arg1058His; replaces arginine 1058 with histidine.
Molecular consequence: missense variant.
Genome position (GRCh38, 1-based): chrX:47,214,925, G>A. VCF-style: chrX-47214925-G-A. GRCh37 (hg19) VCF-style: chrX-47074324-G-A.
Other names: c.3173G>A, p.Arg1058His (NM_153280.3); short protein forms R1058H.
Identifiers: ClinVar variation 1064090 (VCV001064090.9), dbSNP rs374092856, ClinGen allele CA329041330.
Genomic context (GRCh38, chrX:47,214,925, plus strand): 5'-TGTGCTGTAACGACGAGAGCGGCGAGGATGTCGAGGTTCCCTATGTCCGATACACCATCC[G>A]CTGACCCCGTCTGCTCCTCTAGGCTGGCCCCTTGTCCACCCCTCTCCACACCCCTTCCAG-3'
Protein context (NP_003325.2, residues 1048-1058): VEVPYVRYTI[Arg1058His]

ClinVar aggregate classification (germline): Uncertain significance (1 of 4 stars; one submission).

Conditions:
Infantile-onset X-linked spinal muscular atrophy. Also called: Spinal Muscular Atrophy, X-Linked Infantile; SPINAL MUSCULAR ATROPHY, X-LINKED LETHAL INFANTILE; AMC, DISTAL, X-LINKED; ARTHROGRYPOSIS, X-LINKED, TYPE I; Spinal muscular atrophy, X-linked 2. Identifiers: Orphanet 1145, MedGen C1844934, MONDO:0010532, OMIM 301830.

Allele frequency attached by ClinVar (database versions not stated): TOPMed 0.00001; gnomAD exomes 0.00002; ESP Exome Variant Server 0.00009.
gnomAD v4.1: 16 of 1,209,934 alleles (0.0013%); highest among the groups gnomAD compares: South Asian, 0.0035%; no homozygotes.

Submission:

Labcorp Genetics (formerly Invitae), Labcorp
Classification: Uncertain significance for Infantile-onset X-linked spinal muscular atrophy. Last evaluated: 2021-04-12. Review status: criteria provided, single submitter. Criteria: Invitae Variant Classification Sherloc (09022015). Collection method: clinical testing. Allele origin: germline.
Comment: This variant is not present in population databases (ExAC no frequency). This sequence change replaces arginine with histidine at codon 1058 of the UBA1 protein (p.Arg1058His). The arginine residue is moderately conserved and there is a small physicochemical difference between arginine and histidine. This variant has not been reported in the literature in individuals with UBA1-related conditions. Algorithms developed to predict the effect of missense changes on protein structure and function are either unavailable or do not agree on the potential impact of this missense change (SIFT: "Tolerated"; PolyPhen-2: "Probably Damaging"; Align-GVGD: "Class C0"). In summary, the available evidence is currently insufficient to determine the role of this variant in disease. Therefore, it has been classified as a Variant of Uncertain Significance.